The following is an entry in ClinVar:

NM_000059.4(BRCA2):c.67+2T>G

Gene: BRCA2 (BRCA2 DNA repair associated; plus strand). Cytogenetic location: 13q13.1.
Variant type: single nucleotide variant.
Coding change: c.67+2T>G on transcript NM_000059.4 (MANE Select); the canonical splice donor site of the intron after coding-DNA position 67, T replaced by G.
Molecular consequence: splice donor variant. On other transcripts: intron variant (1).
Genome position (GRCh38, 1-based): chr13:32,316,529, T>G. VCF-style: chr13-32316529-T-G. GRCh37 (hg19) VCF-style: chr13-32890666-T-G.
Other names: c.67+2T>G (NM_001406720.1, NM_001406719.1, NM_001406721.1); c.-303+862T>G (NM_001406722.1).
Identifiers: ClinVar variation 431285 (VCV000431285.14), dbSNP rs81002885, ClinGen allele CA387753128.

ClinVar aggregate classification (germline): Pathogenic/Likely pathogenic. Review status: criteria provided, multiple submitters, no conflicts (2 of 4 stars). 4 submissions from 4 submitters: Pathogenic (1); Likely pathogenic (2). 1 of the submissions does not count toward it. Last evaluated 2022-11-15.

Conditions:
Hereditary cancer-predisposing syndrome. Also called: Hereditary Cancer Syndrome; Hereditary neoplastic syndrome; Neoplastic Syndromes, Hereditary; Tumor predisposition. Identifiers: Orphanet 140162, MedGen C0027672, MeSH D009386, MONDO:0015356.
Hereditary breast ovarian cancer syndrome. Also called: Hereditary breast and ovarian cancer syndrome (HBOC); Breast and ovarian cancer; BRCA1- and BRCA2-Associated Hereditary Breast and Ovarian Cancer; Hereditary breast and/or ovarian cancer syndrome; Hereditary breast and ovarian cancer; Hereditary breast and ovarian cancer syndrome. Identifiers: Orphanet 145, MedGen C0677776, MeSH D061325, MONDO:0003582. Disease mechanism: loss of function.

Submissions (4):

Labcorp Genetics (formerly Invitae), Labcorp
Classification: Pathogenic for Hereditary breast ovarian cancer syndrome. Last evaluated: 2022-11-15. Review status: criteria provided, single submitter. Criteria: Invitae Variant Classification Sherloc (09022015). Collection method: clinical testing. Allele origin: germline.
Comment: For these reasons, this variant has been classified as Pathogenic. Studies have shown that disruption of this splice site results in skipping of exon 2 and introduces a premature termination codon (PMID: 17011978, 22505045). The resulting mRNA is expected to undergo nonsense-mediated decay. ClinVar contains an entry for this variant (Variation ID: 431285). Disruption of this splice site has been observed in individual(s) with breast cancer (PMID: 21063910). It has also been observed to segregate with disease in related individuals. This variant is not present in population databases (gnomAD no frequency). This sequence change affects a donor splice site in intron 2 of the BRCA2 gene. RNA analysis indicates that disruption of this splice site induces altered splicing and may result in an absent or disrupted protein product.

Ambry Genetics
Classification: Likely pathogenic for Hereditary cancer-predisposing syndrome. Last evaluated: 2021-07-07. Review status: criteria provided, single submitter. Criteria: Ambry Variant Classification Scheme 2023. Collection method: clinical testing. Allele origin: germline.
Comment: The c.67+2T>G intronic variant results from a T to G substitution two nucleotides after coding exon 1 in the BRCA2 gene. This nucleotide position is highly conserved in available vertebrate species. In silico splice site analysis predicts that this alteration will weaken the native splice donor site. In addition to the clinical data presented in the literature, alterations that disrupt the canonical splice site are expected to cause aberrant splicing, resulting in an abnormal protein or a transcript that is subject to nonsense-mediated mRNA decay. Based on the majority of available evidence to date, this variant is likely to be pathogenic.

GeneDx
Classification: Likely pathogenic. Last evaluated: 2020-09-18. Review status: criteria provided, single submitter. Criteria: GeneDx Variant Classification Process June 2021. Collection method: clinical testing. Allele origin: germline. Affected: yes.
Comment: Canonical splice site variant predicted to result in a null allele in a gene for which loss-of-function is a known mechanism of disease; Not observed in large population cohorts (Lek 2016); Has not been previously published as pathogenic or benign to our knowledge; Also known as 295+2T>G

Research Molecular Genetics Laboratory, Women's College Hospital, University of Toronto
Classification: Pathogenic for Hereditary breast ovarian cancer syndrome. Last evaluated: 2014-01-31. Review status: no assertion criteria provided. Collection method: research. Allele origin: germline. Affected: yes. Study: The Canadian Open Genetics Repository (COGR). Not counted in ClinVar's aggregate classification.

Literature cited by the submitters: PubMed 17011978 (cited by Labcorp Genetics (formerly Invitae), Labcorp); PubMed 22505045 (cited by Labcorp Genetics (formerly Invitae), Labcorp); PubMed 21063910 (cited by Labcorp Genetics (formerly Invitae), Labcorp).